The following is an entry in ClinVar:

ClinVar aggregate classification (germline): Uncertain significance (1 of 4 stars; one submission).

Submission:

Labcorp Genetics (formerly Invitae), Labcorp
Classification: Uncertain significance. Last evaluated: 2024-10-09. Review status: criteria provided, single submitter. Criteria: Invitae Variant Classification Sherloc (09022015). Collection method: clinical testing. Allele origin: germline.
Comment: This sequence change replaces arginine, which is basic and polar, with histidine, which is basic and polar, at codon 166 of the GNA11 protein (p.Arg166His). This variant is not present in population databases (gnomAD no frequency). This variant has not been reported in the literature in individuals affected with GNA11-related conditions. Invitae Evidence Modeling of protein sequence and biophysical properties (such as structural, functional, and spatial information, amino acid conservation, physicochemical variation, residue mobility, and thermodynamic stability) indicates that this missense variant is expected to disrupt GNA11 protein function with a positive predictive value of 80%. In summary, the available evidence is currently insufficient to determine the role of this variant in disease. Therefore, it has been classified as a Variant of Uncertain Significance.

NM_002067.5(GNA11):c.497G>A (p.Arg166His)

Gene: GNA11 (G protein subunit alpha 11; plus strand). Cytogenetic location: 19p13.3.
Variant type: single nucleotide variant.
Coding change: c.497G>A on transcript NM_002067.5 (MANE Select); coding-DNA position 497, G replaced by A.
Protein change: p.Arg166His; replaces arginine 166 with histidine.
Molecular consequence: missense variant.
Genome position (GRCh38, 1-based): chr19:3,114,964, G>A. VCF-style: chr19-3114964-G-A. GRCh37 (hg19) VCF-style: chr19-3114962-G-A.
Other names: short protein forms R166H.
Identifiers: ClinVar variation 3673101 (VCV003673101.2).
Genomic context (GRCh38, chr19:3,114,964, plus strand): 5'-CCCCCGGCAGCCGGCCTGAGCACCCACCGCTGTGTTGCAGCTACCTGACCGACGTTGACC[G>A]CATCGCCACCTTGGGCTACCTGCCCACCCAGCAGGACGTGCTGCGGGTCCGCGTGCCCAC-3'
Protein context (NP_002058.2, residues 156-176): SAKYYLTDVD[Arg166His]IATLGYLPTQ